The following is an entry in ClinVar:

ClinVar aggregate classification (germline): Uncertain significance. Review status: criteria provided, multiple submitters, no conflicts (2 of 4 stars). 2 submissions from 2 submitters: Uncertain significance (2). Last evaluated 2024-03-05.

Allele frequency attached by ClinVar (database versions not stated): gnomAD exomes below 0.00001.
gnomAD v4.1: 2 of 1,611,032 alleles (0.00012%); highest among the groups gnomAD compares: Non-Finnish European, 0.00017%; no homozygotes.

Submissions (2):

Blueprint Genetics
Classification: Uncertain significance. Last evaluated: 2024-03-05. Review status: criteria provided, single submitter. Criteria: ACMG Guidelines, 2015. Collection method: clinical testing. Allele origin: germline.

Women's Health and Genetics/Laboratory Corporation of America, LabCorp
Classification: Uncertain significance. Last evaluated: 2023-04-28. Review status: criteria provided, single submitter. Criteria: LabCorp Variant Classification Summary - May 2015. Collection method: clinical testing. Allele origin: germline.
Comment: Variant summary: TNFRSF13B c.632-2A>G is located in a canonical splice-site within the last intron of the encoded protein and is predicted to affect mRNA splicing resulting in a significantly altered protein due to either exon skipping, shortening, or inclusion of intronic material, but it is not expected to undergo nonsense mediated decay. Several computational tools predict a significant impact on normal splicing: Four predict the variant abolishes a canonical 3' acceptor site. However, these predictions have yet to be confirmed by functional studies. The variant allele was found at a frequency of 4.1e-06 in 242436 control chromosomes (gnomAD). The available data on variant occurrences in the general population are insufficient to allow any conclusion about variant significance. To our knowledge, no occurrence of c.632-2A>G in individuals affected with Common Variable Immunodeficiency and no experimental evidence demonstrating its impact on protein function have been reported. No clinical diagnostic laboratories have submitted clinical-significance assessments for this variant to ClinVar after 2014. Based on the evidence outlined above, the variant was classified as uncertain significance.

NM_012452.3(TNFRSF13B):c.632-2A>G

Gene: TNFRSF13B (TNF receptor superfamily member 13B; minus strand). Cytogenetic location: 17p11.2.
Variant type: single nucleotide variant.
Coding change: c.632-2A>G on transcript NM_012452.3 (MANE Select); the canonical splice acceptor site of the intron before coding-DNA position 632, A replaced by G.
Molecular consequence: splice acceptor variant.
Genome position (GRCh38, 1-based): chr17:16,939,799, T>C on the plus strand (A>G on the coding strand, the complement: TNFRSF13B is on the minus strand). VCF-style: chr17-16939799-T-C. GRCh37 (hg19) VCF-style: chr17-16843113-T-C.
Identifiers: ClinVar variation 2504045 (VCV002504045.2), dbSNP rs1412141006, ClinGen allele CA398519348.